The following is an entry in ClinVar:

NM_000038.6(APC):c.8370T>C (p.Pro2790=)

Gene: APC (APC regulator of Wnt signaling pathway; plus strand). Cytogenetic location: 5q22.2.
Variant type: single nucleotide variant.
Coding change: c.8370T>C on transcript NM_000038.6 (MANE Select); coding-DNA position 8370, T replaced by C.
Protein change: p.Pro2790=; no amino-acid change (proline 2790 retained).
Molecular consequence: synonymous variant. On other transcripts: non-coding transcript variant (2).
Genome position (GRCh38, 1-based): chr5:112,843,964, T>C. VCF-style: chr5-112843964-T-C. GRCh37 (hg19) VCF-style: chr5-112179661-T-C.
Other names: c.8370T>C, p.Pro2790= (NM_001127510.3, NM_001354895.2, NM_001407450.1); c.8316T>C, p.Pro2772= (NM_001127511.3); c.8424T>C, p.Pro2808= (NM_001354896.2, NM_001407447.1, NM_001407448.1 and 1 more transcripts); c.8400T>C, p.Pro2800= (NM_001354897.2); c.8295T>C, p.Pro2765= (NM_001354898.2); c.8286T>C, p.Pro2762= (NM_001354899.2); c.8247T>C, p.Pro2749= (NM_001354900.2); c.8193T>C, p.Pro2731= (NM_001354901.2, NM_001407453.1); and 11 more.
Identifiers: ClinVar variation 3253805 (VCV003253805.1), dbSNP rs2150004153.

ClinVar aggregate classification (germline): Benign (1 of 4 stars; one submission).

Conditions:
Familial adenomatous polyposis 1 (FAP1). Also called: POLYPOSIS, ADENOMATOUS INTESTINAL; FAMILIAL ADENOMATOUS POLYPOSIS 1, ATTENUATED. Identifiers: MedGen C2713442, MONDO:0021056, OMIM 175100. Disease mechanism: loss of function.

Submission:

Myriad Genetics, Inc.
Classification: Benign for Familial adenomatous polyposis 1. Last evaluated: 2024-04-15. Review status: criteria provided, single submitter. Criteria: Myriad Autosomal Dominant, Autosomal Recessive and X-Linked Classification Criteria (2023). Collection method: clinical testing. Allele origin: unknown.
Comment: This variant is considered benign. This variant is a silent/synonymous amino acid change and it is not expected to impact splicing.